The following is an entry in ClinVar:

NM_022821.4(ELOVL1):c.459G>T (p.Trp153Cys)

Gene: ELOVL1 (ELOVL fatty acid elongase 1; minus strand). Cytogenetic location: 1p34.2.
Variant type: single nucleotide variant.
Coding change: c.459G>T on transcript NM_022821.4 (MANE Select); coding-DNA position 459, G replaced by T.
Protein change: p.Trp153Cys; replaces tryptophan 153 with cysteine.
Molecular consequence: missense variant.
Genome position (GRCh38, 1-based): chr1:43,364,564, C>A on the plus strand (G>T on the coding strand, the complement: ELOVL1 is on the minus strand). VCF-style: chr1-43364564-C-A. GRCh37 (hg19) VCF-style: chr1-43830235-C-A.
Other names: c.459G>T, p.Trp153Cys (NM_001256399.2); c.378G>T, p.Trp126Cys (NM_001256401.2); c.216G>T, p.Trp72Cys (NM_001256402.2); short protein forms W126C, W153C, W72C.
Identifiers: ClinVar variation 4855907 (VCV004855907.1).

ClinVar aggregate classification (germline): Uncertain significance (1 of 4 stars; one submission).

Conditions:
Ichthyotic keratoderma, spasticity, hypomyelination, and dysmorphic facial features. Identifiers: MedGen C5193147, MONDO:0032798, OMIM 618527.

Submission:

3billion
Classification: Uncertain significance for Ichthyotic keratoderma, spasticity, hypomyelination, and dysmorphic facial features. Last evaluated: 2025-12-16. Review status: criteria provided, single submitter. Criteria: ACMG Guidelines, 2015. Collection method: clinical testing. Allele origin: germline. Affected: yes.
Comment: The variant is not observed in the gnomAD v4.1.0 dataset. Predicted Consequence/Location: Missense variant In silico tool predictions suggest damaging effect of the variant on gene or gene product [REVEL: 0.64 (>=0.6, sensitivity 0.68 and specificity 0.92); 3Cnet: 0.93 (> 0.75, sensitivity 0.96 and precision 0.92)]. Different missense changes at the same codon have been reported as of uncertain significance (ClinVar ID: VCV003275218, VCV002335588). Therefore, this variant is classified as VUS according to the recommendation of ACMG/AMP guideline.